The following is an entry in ClinVar:

NM_001046.3(SLC12A2):c.214T>A (p.Leu72Met)

Genes: SLC12A2 (solute carrier family 12 member 2; plus strand), LOC129994526 (ATAC-STARR-seq lymphoblastoid silent region 16295; plus strand). Cytogenetic location: 5q23.3.
Variant type: single nucleotide variant.
Coding change: c.214T>A on transcript NM_001046.3 (MANE Select); coding-DNA position 214, T replaced by A.
Protein change: p.Leu72Met; replaces leucine 72 with methionine.
Molecular consequence: missense variant. On other transcripts: non-coding transcript variant (1).
Genome position (GRCh38, 1-based): chr5:128,084,168, T>A. VCF-style: chr5-128084168-T-A. GRCh37 (hg19) VCF-style: chr5-127419860-T-A.
Other names: c.214T>A, p.Leu72Met (NM_001256461.2); short protein forms L72M.
Identifiers: ClinVar variation 1995084 (VCV001995084.4), dbSNP rs2480684589, ClinGen allele CA360736032.

ClinVar aggregate classification (germline): Uncertain significance (1 of 4 stars; one submission).

Submission:

Labcorp Genetics (formerly Invitae), Labcorp
Classification: Uncertain significance. Last evaluated: 2023-07-17. Review status: criteria provided, single submitter. Criteria: Invitae Variant Classification Sherloc (09022015). Collection method: clinical testing. Allele origin: germline.
Comment: This sequence change replaces leucine, which is neutral and non-polar, with methionine, which is neutral and non-polar, at codon 72 of the SLC12A2 protein (p.Leu72Met). In summary, the available evidence is currently insufficient to determine the role of this variant in disease. Therefore, it has been classified as a Variant of Uncertain Significance. Advanced modeling of protein sequence and biophysical properties (such as structural, functional, and spatial information, amino acid conservation, physicochemical variation, residue mobility, and thermodynamic stability) performed at Invitae indicates that this missense variant is not expected to disrupt SLC12A2 protein function. ClinVar contains an entry for this variant (Variation ID: 1995084). This variant has not been reported in the literature in individuals affected with SLC12A2-related conditions. This variant is not present in population databases (gnomAD no frequency).